The following is an entry in ClinVar:

NM_001001557.4(GDF6):c.1036C>T (p.His346Tyr)

Gene: GDF6 (growth differentiation factor 6; minus strand). Cytogenetic location: 8q22.1.
Variant type: single nucleotide variant.
Coding change: c.1036C>T on transcript NM_001001557.4 (MANE Select); coding-DNA position 1036, C replaced by T.
Protein change: p.His346Tyr; replaces histidine 346 with tyrosine.
Molecular consequence: missense variant.
Genome position (GRCh38, 1-based): chr8:96,144,895, G>A on the plus strand (C>T on the coding strand, the complement: GDF6 is on the minus strand). VCF-style: chr8-96144895-G-A. GRCh37 (hg19) VCF-style: chr8-97157123-G-A.
Other names: short protein forms H346Y.
Identifiers: ClinVar variation 4783316 (VCV004783316.1).

ClinVar aggregate classification (germline): Uncertain significance (1 of 4 stars; one submission).

Conditions:
Klippel-Feil syndrome 1, autosomal dominant (KFS1). Also called: CERVICAL VERTEBRAL FUSION, AUTOSOMAL DOMINANT. Identifiers: Orphanet 2345, MedGen C1861689, MONDO:0007306, OMIM 118100.
Isolated microphthalmia 4. Identifiers: Orphanet 2542, MedGen C2751307, MONDO:0013130, OMIM 613094.
Microphthalmia, isolated, with coloboma 6 (MCOPCB6). Also called: Microphthalmia with coloboma 6, digenic; Microphthalmia with coloboma 6; MICROPHTHALMIA/COLOBOMA 6. Identifiers: Orphanet 98938, MedGen C3150968, MONDO:0013376, OMIM 613703.
Leber congenital amaurosis 17 (LCA17). Identifiers: Orphanet 65, MedGen C3715164, MONDO:0014145, OMIM 615360.

Submission:

Labcorp Genetics (formerly Invitae), Labcorp
Classification: Uncertain significance for Isolated microphthalmia 4; Leber congenital amaurosis 17; Klippel-Feil syndrome 1, autosomal dominant; Microphthalmia, isolated, with coloboma 6. Last evaluated: 2025-05-20. Review status: criteria provided, single submitter. Criteria: Invitae Variant Classification Sherloc (09022015). Collection method: clinical testing. Allele origin: germline.
Comment: This sequence change replaces histidine, which is basic and polar, with tyrosine, which is neutral and polar, at codon 346 of the GDF6 protein (p.His346Tyr). This variant is not present in population databases (gnomAD no frequency). This variant has not been reported in the literature in individuals affected with GDF6-related conditions. Invitae Evidence Modeling of protein sequence and biophysical properties (such as structural, functional, and spatial information, amino acid conservation, physicochemical variation, residue mobility, and thermodynamic stability) indicates that this missense variant is not expected to disrupt GDF6 protein function with a negative predictive value of 80%. In summary, the available evidence is currently insufficient to determine the role of this variant in disease. Therefore, it has been classified as a Variant of Uncertain Significance.